The following is an entry in ClinVar:

NM_006231.4(POLE):c.1021G>A (p.Ala341Thr)

Gene: POLE (DNA polymerase epsilon, catalytic subunit; minus strand). Cytogenetic location: 12q24.33.
Variant type: single nucleotide variant.
Coding change: c.1021G>A on transcript NM_006231.4 (MANE Select); coding-DNA position 1021, G replaced by A.
Protein change: p.Ala341Thr; replaces alanine 341 with threonine.
Molecular consequence: missense variant.
Genome position (GRCh38, 1-based): chr12:132,675,820, C>T on the plus strand (G>A on the coding strand, the complement: POLE is on the minus strand). VCF-style: chr12-132675820-C-T. GRCh37 (hg19) VCF-style: chr12-133252406-C-T.
Other names: short protein forms A341T.
Identifiers: ClinVar variation 953646 (VCV000953646.9), dbSNP rs137860861, ClinGen allele CA387361904.

ClinVar aggregate classification (germline): Uncertain significance (1 of 4 stars; one submission).

Submission:

Labcorp Genetics (formerly Invitae), Labcorp
Classification: Uncertain significance. Last evaluated: 2023-07-30. Review status: criteria provided, single submitter. Criteria: Invitae Variant Classification Sherloc (09022015). Collection method: clinical testing. Allele origin: germline.
Comment: In summary, the available evidence is currently insufficient to determine the role of this variant in disease. Therefore, it has been classified as a Variant of Uncertain Significance. An algorithm developed to predict the effect of missense changes on protein structure and function (PolyPhen-2) suggests that this variant is likely to be tolerated. ClinVar contains an entry for this variant (Variation ID: 953646). This variant has not been reported in the literature in individuals affected with POLE-related conditions. This variant is not present in population databases (gnomAD no frequency). This sequence change replaces alanine, which is neutral and non-polar, with threonine, which is neutral and polar, at codon 341 of the POLE protein (p.Ala341Thr).